The following is an entry in ClinVar:

NM_014989.7(RIMS1):c.3104T>C (p.Leu1035Pro)

Gene: RIMS1 (regulating synaptic membrane exocytosis 1; plus strand). Cytogenetic location: 6q13.
Variant type: single nucleotide variant.
Coding change: c.3104T>C on transcript NM_014989.7 (MANE Select); coding-DNA position 3104, T replaced by C.
Protein change: p.Leu1035Pro; replaces leucine 1035 with proline.
Molecular consequence: missense variant. On other transcripts: intron variant (14).
Genome position (GRCh38, 1-based): chr6:72,260,755, T>C. VCF-style: chr6-72260755-T-C. GRCh37 (hg19) VCF-style: chr6-72970458-T-C.
Other names: c.1523T>C, p.Leu508Pro (NM_001168407.2, NM_001350415.2, NM_001350418.2 and 13 more transcripts); c.1526T>C, p.Leu509Pro (NM_001168408.2, NM_001350414.2, NM_001350416.2 and 10 more transcripts); c.1283T>C, p.Leu428Pro (NM_001168409.2, NM_001350464.2, NM_001350465.2 and 2 more transcripts); c.1481T>C, p.Leu494Pro (NM_001168410.2, NM_001350470.2, NM_001350473.2); c.1454T>C, p.Leu485Pro (NM_001350421.2, NM_001350430.2, NM_001350437.2 and 2 more transcripts); c.1457T>C, p.Leu486Pro (NM_001350424.2, NM_001350428.2, NM_001350459.2 and 1 more transcripts); c.1280T>C, p.Leu427Pro (NM_001350461.2, NM_001350463.2); c.1478T>C, p.Leu493Pro (NM_001350472.2); and 5 more; short protein forms L1035P, L427P, L428P, L485P, L486P, L493P, L494P, L508P.
Identifiers: ClinVar variation 1018591 (VCV001018591.10), dbSNP rs2077604325, ClinGen allele CA364683893.

ClinVar aggregate classification (germline): Uncertain significance (1 of 4 stars; one submission).

Allele frequency attached by ClinVar (database versions not stated): gnomAD exomes below 0.00001.
gnomAD v4.1: 1 of 1,612,274 alleles (0.000062%); highest among the groups gnomAD compares: Non-Finnish European, 0.000085%; no homozygotes.

Submission:

Labcorp Genetics (formerly Invitae), Labcorp
Classification: Uncertain significance. Last evaluated: 2025-01-06. Review status: criteria provided, single submitter. Criteria: Invitae Variant Classification Sherloc (09022015). Collection method: clinical testing. Allele origin: germline.
Comment: This sequence change replaces leucine, which is neutral and non-polar, with proline, which is neutral and non-polar, at codon 1035 of the RIMS1 protein (p.Leu1035Pro). This variant is not present in population databases (gnomAD no frequency). This variant has not been reported in the literature in individuals affected with RIMS1-related conditions. ClinVar contains an entry for this variant (Variation ID: 1018591). An algorithm developed to predict the effect of missense changes on protein structure and function (PolyPhen-2) suggests that this variant is likely to be disruptive. In summary, the available evidence is currently insufficient to determine the role of this variant in disease. Therefore, it has been classified as a Variant of Uncertain Significance.